The following is an entry in ClinVar:

NM_000536.4(RAG2):c.1396C>T (p.Leu466Phe)

Gene: RAG2 (recombination activating 2; minus strand). Cytogenetic location: 11p12.
Variant type: single nucleotide variant.
Coding change: c.1396C>T on transcript NM_000536.4 (MANE Select); coding-DNA position 1396, C replaced by T.
Protein change: p.Leu466Phe; replaces leucine 466 with phenylalanine.
Molecular consequence: missense variant.
Genome position (GRCh38, 1-based): chr11:36,592,773, G>A on the plus strand (C>T on the coding strand, the complement: RAG2 is on the minus strand). VCF-style: chr11-36592773-G-A. GRCh37 (hg19) VCF-style: chr11-36614323-G-A.
Other names: p.Leu466Phe; NM_000536.4(RAG2):c.1396C>T; c.1396C>T, p.Leu466Phe (NM_001243785.2, NM_001243786.2); short protein forms L466F.
Identifiers: ClinVar variation 650904 (VCV000650904.26), dbSNP rs1590713653, ClinGen allele CA380140455.

ClinVar aggregate classification (germline): Likely pathogenic. Review status: reviewed by expert panel (3 of 4 stars). 9 submissions from 8 submitters: Likely pathogenic (1). 8 of the submissions do not count toward it. Last evaluated 2024-01-23.

Conditions:
Severe combined immunodeficiency, autosomal recessive, T cell-negative, B cell-negative, NK cell-positive. Also called: SCID, T CELL-NEGATIVE, B CELL-NEGATIVE, NK CELL-POSITIVE; SCID, AR, T-cell negative, B-cell negative, NK cell-positive; Severe combined immunodeficiency due to complete RAG1/2 deficiency. Identifiers: Orphanet 331206, MedGen C1832322, MONDO:0011086, OMIM 601457.
Recombinase activating gene 2 deficiency. Also called: RAG2 deficiency. Identifiers: MedGen CN257931, MONDO:0000573.
Combined immunodeficiency with skin granulomas. Identifiers: Orphanet 157949, MedGen C2673536, MONDO:0009306, OMIM 233650.
Severe combined immunodeficiency disease. Also called: Severe combined immunodeficiency; Severe Combined Immune Deficiency. Identifiers: Orphanet 183660, MedGen C0085110, MeSH D016511, MONDO:0015974, HP:0004430. Inheritance: X-Linked or Autosomal recessive.
Histiocytic medullary reticulosis. Also called: SEVERE COMBINED IMMUNODEFICIENCY WITH HYPEREOSINOPHILIA; Omenn syndrome. Identifiers: Orphanet 39041, MedGen C2700553, MONDO:0011338, OMIM 603554.

Allele frequency attached by ClinVar (database versions not stated): gnomAD exomes 0.00001.
gnomAD v4.1: 15 of 1,614,146 alleles (0.00093%); highest among the groups gnomAD compares: Non-Finnish European, 0.0013%; no homozygotes.

Submissions (9):

ClinGen Severe Combined Immunodeficiency Variant Curation Expert Panel, ClinGen
Classification: Likely pathogenic for Recombinase activating gene 2 deficiency. Last evaluated: 2024-01-23. Review status: reviewed by expert panel. Criteria: ClinGen SCID ACMG Specifications RAG2 V1.0.0. Collection method: curation. Allele origin: germline. Inheritance: Autosomal recessive inheritance.
Comment: The c.1396C>T (NM_000536.4) variant in RAG2 is a missense variant predicted to cause the substitution of Leucine by Phenylalanine at amino acid 466 (p.Leu466Phe). This variant is absent from gnomAD v2.1.1 (PM2_Supporting). This variant is located in the PHD domain, amino acids 414-487 of RAG2, which is defined as a critical functional domain by the ClinGen SCID VCEP (PMID: 26996199); PM1_Moderate. One patient from Invitae presents carries this variant in trans with c.1352G>C (p.Gly451Ala) (classified as Likely Pathogenic according to SCID VCEP specifications). The parents were also tested; each was heterozygous for one variant - variants are in trans. 1 point, PM3 is met. + Diagnostic criteria for SCID/Leaky SCID/Omenn syndrome 0.5 pts; Total is 1.5 points, PP4 is met. In summary, this variant meets the criteria to be classified as Likely Pathogenic for autosomal recessive recombinase activating gene 2 deficiency based on the ACMG/AMP criteria applied, as specified by the ClinGen SCID VCEP. Criteria applied: PM2_Supporting, PM1_Moderate, PP4, and PM3 (VCEP specifications version 1.0).

Myriad Genetics, Inc.
Classification: Likely pathogenic for Recombinase activating gene 2 deficiency. Last evaluated: 2026-04-24. Review status: criteria provided, single submitter. Criteria: Myriad Autosomal Dominant, Autosomal Recessive and X-Linked Classification Criteria (2023). Collection method: clinical testing. Allele origin: unknown. Not counted in ClinVar's aggregate classification.
Comment: NM_001243785.1(RAG2):c.1396C>T(L466F) is a missense variant classified as likely pathogenic in the context of severe combined immunodeficiency, RAG2-related. L466F has been observed in cases with relevant disease (PMID: 39792639, 39789600). Relevant functional assessments of this variant are available in the literature (PMID: 39792639). Internal structural analysis of the variant is supportive of pathogenicity. L466F has not been observed in referenced population frequency databases. In summary, NM_001243785.1(RAG2):c.1396C>T(L466F) is a missense variant that has both functional and internal structural support for pathogenicity and has been observed more frequently in cases with the relevant disease than in healthy populations. Please note: this variant was assessed in the context of healthy population screening.

Labcorp Genetics (formerly Invitae), Labcorp
Classification: Likely pathogenic for Combined immunodeficiency with skin granulomas; Severe combined immunodeficiency, autosomal recessive, T cell-negative, B cell-negative, NK cell-positive. Last evaluated: 2025-10-21. Review status: criteria provided, single submitter. Criteria: Invitae Variant Classification Sherloc (09022015). Collection method: clinical testing. Allele origin: germline. Not counted in ClinVar's aggregate classification.
Comment: This sequence change replaces leucine, which is neutral and non-polar, with phenylalanine, which is neutral and non-polar, at codon 466 of the RAG2 protein (p.Leu466Phe). This variant is not present in population databases (gnomAD no frequency). This missense change has been observed in individual(s) with clinical features of RAG2-related conditions (PMID: 39789600; internal data). In at least one individual the data is consistent with being in trans (on the opposite chromosome) from a pathogenic variant. ClinVar contains an entry for this variant (Variation ID: 650904). Invitae Evidence Modeling of protein sequence and biophysical properties (such as structural, functional, and spatial information, amino acid conservation, physicochemical variation, residue mobility, and thermodynamic stability) has been performed for this missense variant. However, the output from this modeling did not meet the statistical confidence thresholds required to predict the impact of this variant on RAG2 protein function. In summary, the currently available evidence indicates that the variant is pathogenic, but additional data are needed to prove that conclusively. Therefore, this variant has been classified as Likely Pathogenic.

Natera, Inc.
Classification: Likely pathogenic for Omenn syndrome. Last evaluated: 2025-08-11. Review status: criteria provided, single submitter. Criteria: Natera Variant Classification Schema (03/2026). Collection method: clinical testing. Allele origin: germline. Not counted in ClinVar's aggregate classification.
Comment: The c.1396C>T variant in RAG2 is a missense variant predicted to cause substitution of leucine to phenylalanine at amino acid 466. This variant is rare in the general population with a frequency below the threshold expected for the associated phenotype(s). This variant has been observed in one or more individuals affected with the associated recessive disease, as either homozygous or compound heterozygous with a second variant (PMID: 39792639). Functional studies show that this variant may disrupt protein function (PMID: 39792639). Computational prediction algorithms indicate this variant is likely to affect gene or protein function. Given the available evidence, this variant is classified as Likely Pathogenic.

Women's Health and Genetics/Laboratory Corporation of America, LabCorp
Classification: Likely pathogenic for Severe combined immunodeficiency disease. Last evaluated: 2025-07-31. Review status: criteria provided, single submitter. Criteria: LabCorp Variant Classification Summary - May 2015. Collection method: clinical testing. Allele origin: germline. Not counted in ClinVar's aggregate classification.
Comment: Variant summary: RAG2 c.1396C>T (p.Leu466Phe) results in a non-conservative amino acid change located in the Recombination activating protein 2, PHD domain (IPR025162) of the encoded protein sequence. Algorithms developed to predict the effect of missense changes on protein structure and function all suggest that this variant is likely to be disruptive. The variant was absent in 251482 control chromosomes. c.1396C>T has been observed in at-least two individuals affected with Severe Combined Immunodeficiency (Bosticardo_2025, Zhang_2025, internal data). These data indicate that the variant may be associated with disease. At least one publication reports experimental evidence evaluating an impact on protein function. The most pronounced variant effect results in 10% of normal activity (Bosticardo_2025). The following publications have been ascertained in the context of this evaluation (PMID: 39792639, 39789600). ClinVar contains an entry for this variant (Variation ID: 650904). Based on the evidence outlined above, the variant was classified as likely pathogenic.

Fulgent Genetics
Classification: Likely pathogenic for Combined immunodeficiency with skin granulomas; Severe combined immunodeficiency, autosomal recessive, T cell-negative, B cell-negative, NK cell-positive; Histiocytic medullary reticulosis. Last evaluated: 2024-03-26. Review status: criteria provided, single submitter. Criteria: ACMG Guidelines, 2015. Collection method: clinical testing. Allele origin: germline. Not counted in ClinVar's aggregate classification.

Mayo Clinic Laboratories, Mayo Clinic
Classification: Uncertain significance. Last evaluated: 2022-10-18. Review status: criteria provided, single submitter. Criteria: ACMG Guidelines, 2015. Collection method: clinical testing. Allele origin: germline. Observed: 1 variant allele. Not counted in ClinVar's aggregate classification.
Comment: PM2_supporting

Illumina Laboratory Services, Illumina
Classification: Uncertain significance for Severe combined immunodeficiency, autosomal recessive, T cell-negative, B cell-negative, NK cell-positive. Last evaluated: 2018-01-13. Review status: criteria provided, single submitter. Criteria: ICSL Variant Classification Criteria 13 December 2019. Collection method: clinical testing. Allele origin: germline. Not counted in ClinVar's aggregate classification.

Illumina Laboratory Services, Illumina
Classification: Uncertain significance for Histiocytic medullary reticulosis. Last evaluated: 2018-01-13. Review status: criteria provided, single submitter. Criteria: ICSL Variant Classification Criteria 13 December 2019. Collection method: clinical testing. Allele origin: germline. Not counted in ClinVar's aggregate classification.

Literature cited by the submitters: PubMed 39789600 (cited by 3 submitters); PubMed 39792639 (cited by 3 submitters).